The following is an entry in ClinVar:

ClinVar aggregate classification (germline): Benign/Likely benign. Review status: criteria provided, multiple submitters, no conflicts (2 of 4 stars). 7 submissions from 7 submitters: Benign (3); Likely benign (4). Last evaluated 2026-03-27.

Conditions:
Cardiovascular phenotype. Identifiers: MedGen CN230736.

Allele frequency attached by ClinVar (database versions not stated): TOPMed 0.00025; ESP Exome Variant Server 0.00031; gnomAD 0.00032 and 0.00047; gnomAD exomes 0.00076 and 0.00114; ExAC 0.00140; 1000 Genomes Project 30x 0.00141; 1000 Genomes Project 0.00160.
gnomAD v4.1: 1,181 of 1,614,128 alleles (0.073%); highest among the groups gnomAD compares: South Asian, 0.62%; 12 homozygotes.

Submissions (7):

Molecular Diagnostic Laboratory for Inherited Cardiovascular Disease, Montreal Heart Institute
Classification: Likely benign. Last evaluated: 2026-03-27. Review status: criteria provided, single submitter. Criteria: ACMG Guidelines, 2015. Collection method: clinical testing. Allele origin: germline. Affected: no.

Labcorp Genetics (formerly Invitae), Labcorp
Classification: Benign. Last evaluated: 2026-01-25. Review status: criteria provided, single submitter. Criteria: Invitae Variant Classification Sherloc (09022015). Collection method: clinical testing. Allele origin: germline.

CeGaT Center for Human Genetics Tuebingen
Classification: Likely benign. Last evaluated: 2025-01-01. Review status: criteria provided, single submitter. Criteria: CeGaT Center For Human Genetics Tuebingen Variant Classification Criteria Version 2. Collection method: clinical testing. Allele origin: germline. Affected: yes. Observed: 1 variant allele.
Comment: ALPK3: BP4, BP7

Mayo Clinic Laboratories, Mayo Clinic
Classification: Benign. Last evaluated: 2024-01-09. Review status: criteria provided, single submitter. Criteria: ACMG Guidelines, 2015. Collection method: clinical testing. Allele origin: germline. Observed: 4 variant alleles.
Comment: BS1, BS2, BP4, BP7

Women's Health and Genetics/Laboratory Corporation of America, LabCorp
Classification: Likely benign. Last evaluated: 2023-10-09. Review status: criteria provided, single submitter. Criteria: LabCorp Variant Classification Summary - May 2015. Collection method: clinical testing. Allele origin: germline.

GeneDx
Classification: Benign. Last evaluated: 2020-04-16. Review status: criteria provided, single submitter. Criteria: GeneDx Variant Classification Process June 2021. Collection method: clinical testing. Allele origin: germline. Affected: yes.

Ambry Genetics
Classification: Likely benign for Cardiovascular phenotype. Last evaluated: 2019-08-26. Review status: criteria provided, single submitter. Criteria: Ambry Variant Classification Scheme 2023. Collection method: clinical testing. Allele origin: germline.

NM_020778.5(ALPK3):c.1737C>T (p.Ser579=)

Gene: ALPK3 (alpha kinase 3; plus strand). Cytogenetic location: 15q25.3.
Variant type: single nucleotide variant.
Coding change: c.1737C>T on transcript NM_020778.5 (MANE Select); coding-DNA position 1737, C replaced by T.
Protein change: p.Ser579=; no amino-acid change (serine 579 retained).
Molecular consequence: synonymous variant.
Genome position (GRCh38, 1-based): chr15:84,856,475, C>T. VCF-style: chr15-84856475-C-T. GRCh37 (hg19) VCF-style: chr15-85399706-C-T.
Other names: p.Ser781=.
Identifiers: ClinVar variation 507767 (VCV000507767.28), dbSNP rs115301935, ClinGen allele CA7709282.